The following is an entry in ClinVar:

NM_002890.3(RASA1):c.266G>T (p.Gly89Val)

Gene: RASA1 (RAS p21 protein activator 1; plus strand). Cytogenetic location: 5q14.3.
Variant type: single nucleotide variant.
Coding change: c.266G>T on transcript NM_002890.3 (MANE Select); coding-DNA position 266, G replaced by T.
Protein change: p.Gly89Val; replaces glycine 89 with valine.
Molecular consequence: missense variant.
Genome position (GRCh38, 1-based): chr5:87,268,717, G>T. VCF-style: chr5-87268717-G-T. GRCh37 (hg19) VCF-style: chr5-86564534-G-T.
Other names: short protein forms G89V.
Identifiers: ClinVar variation 4706240 (VCV004706240.2).

ClinVar aggregate classification (germline): Uncertain significance. Review status: criteria provided, multiple submitters, no conflicts (2 of 4 stars). 2 submissions from 2 submitters: Uncertain significance (2). Last evaluated 2026-07-21.

Conditions:
Cardiovascular phenotype. Identifiers: MedGen CN230736.
Capillary malformation-arteriovenous malformation syndrome. Also called: Capillary malformation-arteriovenous malformation. Identifiers: Orphanet 137667, MedGen C1842180, MONDO:0012016.

gnomAD v4.1: 1 of 1,612,622 alleles (0.000062%); highest among the groups gnomAD compares: Non-Finnish European, 0.000085%; no homozygotes.

Submissions (2):

Ambry Genetics
Classification: Uncertain significance for Cardiovascular phenotype. Last evaluated: 2026-07-21. Review status: criteria provided, single submitter. Criteria: Ambry Variant Classification Scheme 2023. Collection method: clinical testing. Allele origin: germline.
Comment: The p.G89V variant (also known as c.266G>T), located in coding exon 1 of the RASA1 gene, results from a G to T substitution at nucleotide position 266. The glycine at codon 89 is replaced by valine, an amino acid with dissimilar properties. This amino acid position is conserved. In addition, this alteration is predicted to be tolerated by in silico analysis. Based on the available evidence, the clinical significance of this variant remains unclear.

Labcorp Genetics (formerly Invitae), Labcorp
Classification: Uncertain significance for Capillary malformation-arteriovenous malformation syndrome. Last evaluated: 2025-08-22. Review status: criteria provided, single submitter. Criteria: Invitae Variant Classification Sherloc (09022015). Collection method: clinical testing. Allele origin: germline.
Comment: This sequence change replaces glycine, which is neutral and non-polar, with valine, which is neutral and non-polar, at codon 89 of the RASA1 protein (p.Gly89Val). This variant is present in population databases (rs767049793, gnomAD 0.0009%). This variant has not been reported in the literature in individuals affected with RASA1-related conditions. An algorithm developed to predict the effect of missense changes on protein structure and function (PolyPhen-2) suggests that this variant is likely to be disruptive. In summary, the available evidence is currently insufficient to determine the role of this variant in disease. Therefore, it has been classified as a Variant of Uncertain Significance.